The following is an entry in ClinVar:

NM_002107.7(H3-3A):c.385C>T (p.Arg129Cys)

Gene: H3-3A (H3.3 histone A; plus strand). Cytogenetic location: 1q42.12.
Variant type: single nucleotide variant.
Coding change: c.385C>T on transcript NM_002107.7 (MANE Select); coding-DNA position 385, C replaced by T.
Protein change: p.Arg129Cys; replaces arginine 129 with cysteine.
Molecular consequence: missense variant.
Genome position (GRCh38, 1-based): chr1:226,071,453, C>T. VCF-style: chr1-226071453-C-T. GRCh37 (hg19) VCF-style: chr1-226259154-C-T.
Other names: c.385C>T, p.Arg129Cys (NM_001379043.1, NM_001379045.1, NM_001379046.1 and 1 more transcripts); short protein forms R129C.
Identifiers: ClinVar variation 3343881 (VCV003343881.1).

ClinVar aggregate classification (germline): Uncertain significance (1 of 4 stars; one submission).

Submission:

GeneDx
Classification: Uncertain significance. Last evaluated: 2024-02-05. Review status: criteria provided, single submitter. Criteria: GeneDx Variant Classification Process June 2021. Collection method: clinical testing. Allele origin: germline. Affected: yes.
Comment: Not observed at significant frequency in large population cohorts (gnomAD); In silico analysis supports that this missense variant has a deleterious effect on protein structure/function; De novo variant with confirmed parentage in a patient with speech delay, strabismus, pseudo-cleft lip, unilateral choanal narrowing, and tetralogy of Fallot as well as a 417kb deletion in the NRXN1 gene (PMID: 33268356); This variant is associated with the following publications: (PMID: 33268356)